The following is an entry in ClinVar:

ClinVar aggregate classification (germline): Uncertain significance. Review status: criteria provided, multiple submitters, no conflicts (2 of 4 stars). 2 submissions from 2 submitters: Uncertain significance (2). Last evaluated 2025-01-11.

Allele frequency attached by ClinVar (database versions not stated): gnomAD 0.00001; TOPMed 0.00001; ExAC 0.00006.
gnomAD v4.1: 120 of 1,613,954 alleles (0.0074%); highest among the groups gnomAD compares: South Asian, 0.049%; no homozygotes.

Submissions (2):

Labcorp Genetics (formerly Invitae), Labcorp
Classification: Uncertain significance. Last evaluated: 2025-01-11. Review status: criteria provided, single submitter. Criteria: Invitae Variant Classification Sherloc (09022015). Collection method: clinical testing. Allele origin: germline.
Comment: This sequence change replaces proline, which is neutral and non-polar, with leucine, which is neutral and non-polar, at codon 586 of the CLCN6 protein (p.Pro586Leu). This variant is present in population databases (rs576300278, gnomAD 0.04%), and has an allele count higher than expected for a pathogenic variant. This variant has not been reported in the literature in individuals affected with CLCN6-related conditions. ClinVar contains an entry for this variant (Variation ID: 2188856). An algorithm developed to predict the effect of missense changes on protein structure and function (PolyPhen-2) suggests that this variant is likely to be disruptive. In summary, the available evidence is currently insufficient to determine the role of this variant in disease. Therefore, it has been classified as a Variant of Uncertain Significance.

Ambry Genetics
Classification: Uncertain significance. Last evaluated: 2023-05-08. Review status: criteria provided, single submitter. Criteria: Ambry Variant Classification Scheme 2023. Collection method: clinical testing. Allele origin: germline.

NM_001286.5(CLCN6):c.1757C>T (p.Pro586Leu)

Gene: CLCN6 (chloride voltage-gated channel 6; plus strand). Cytogenetic location: 1p36.22.
Variant type: single nucleotide variant.
Coding change: c.1757C>T on transcript NM_001286.5 (MANE Select); coding-DNA position 1757, C replaced by T.
Protein change: p.Pro586Leu; replaces proline 586 with leucine.
Molecular consequence: missense variant. On other transcripts: non-coding transcript variant (1).
Genome position (GRCh38, 1-based): chr1:11,834,554, C>T. VCF-style: chr1-11834554-C-T. GRCh37 (hg19) VCF-style: chr1-11894611-C-T.
Other names: c.1691C>T, p.Pro564Leu (NM_001256959.2); c.1757C>T (NM_001286.2); short protein forms P564L, P586L.
Identifiers: ClinVar variation 2188856 (VCV002188856.6), dbSNP rs576300278, ClinGen allele CA596600.